The following is an entry in ClinVar:

NM_001130009.3(GEN1):c.1763T>G (p.Ile588Ser)

Gene: GEN1 (GEN1 Holliday junction 5' flap endonuclease; plus strand). Cytogenetic location: 2p24.2.
Variant type: single nucleotide variant.
Coding change: c.1763T>G on transcript NM_001130009.3 (MANE Select); coding-DNA position 1763, T replaced by G.
Protein change: p.Ile588Ser; replaces isoleucine 588 with serine.
Molecular consequence: missense variant.
Genome position (GRCh38, 1-based): chr2:17,780,975, T>G. VCF-style: chr2-17780975-T-G. GRCh37 (hg19) VCF-style: chr2-17962242-T-G.
Other names: c.1763T>G, p.Ile588Ser (NM_182625.5); short protein forms I588S.
Identifiers: ClinVar variation 4029218 (VCV004029218.1).

ClinVar aggregate classification (germline): Uncertain significance (1 of 4 stars; one submission).

Submission:

Ambry Genetics
Classification: Uncertain significance. Last evaluated: 2025-04-11. Review status: criteria provided, single submitter. Criteria: Ambry Variant Classification Scheme 2023. Collection method: clinical testing. Allele origin: germline.
Comment: The p.I588S variant (also known as c.1763T>G), located in coding exon 13 of the GEN1 gene, results from a T to G substitution at nucleotide position 1763. The isoleucine at codon 588 is replaced by serine, an amino acid with dissimilar properties. This amino acid position is conserved. In addition, this alteration is predicted to be tolerated by in silico analysis. Based on the available evidence, the clinical significance of this variant remains unclear.